The following is an entry in ClinVar:

NM_001386298.1(CIC):c.2504G>A (p.Arg835Gln)

Gene: CIC (capicua transcriptional repressor; plus strand). Cytogenetic location: 19q13.2.
Variant type: single nucleotide variant.
Coding change: c.2504G>A on transcript NM_001386298.1 (MANE Select); coding-DNA position 2504, G replaced by A.
Protein change: p.Arg835Gln; replaces arginine 835 with glutamine.
Molecular consequence: missense variant.
Genome position (GRCh38, 1-based): chr19:42,274,287, G>A. VCF-style: chr19-42274287-G-A. GRCh37 (hg19) VCF-style: chr19-42778439-G-A.
Other names: c.-10418G>A (NM_015125.5); c.2504G>A, p.Arg835Gln (NM_001304815.2, NM_001379480.1, NM_001379482.1 and 1 more transcripts); short protein forms R835Q.
Identifiers: ClinVar variation 3250887 (VCV003250887.19), dbSNP rs534657303.

ClinVar aggregate classification (germline): Uncertain significance. Review status: criteria provided, multiple submitters, no conflicts (2 of 4 stars). 2 submissions from 2 submitters: Uncertain significance (2). Last evaluated 2024-06-10.

Allele frequency attached by ClinVar (database versions not stated): gnomAD 0.00005; TOPMed 0.00005; 1000 Genomes Project 0.00020; 1000 Genomes Project 30x 0.00031; gnomAD exomes below 0.00001.
gnomAD v4.1: 8 of 398,814 alleles (0.002%); highest among the groups gnomAD compares: South Asian, 0.013%; no homozygotes.

Submissions (2):

Women's Health and Genetics/Laboratory Corporation of America, LabCorp
Classification: Uncertain significance. Last evaluated: 2024-06-10. Review status: criteria provided, single submitter. Criteria: LabCorp Variant Classification Summary - May 2015. Collection method: clinical testing. Allele origin: germline.
Comment: Variant summary: CIC c.-10418G>A (NM_015125), also known as c.2504G>A/p.Arg835Gln (NM_001304815), is located in the untranscribed region upstream of the CIC gene region. The variant was absent in 31378 control chromosomes (gnomAD). The available data on variant occurrences in the general population are insufficient to allow any conclusion about variant significance. To our knowledge, no occurrence of c.-10418G>A in individuals affected with Mental Retardation, Autosomal Dominant 45 and no experimental evidence demonstrating its impact on protein function have been reported. No submitters have cited clinical-significance assessments for this variant to ClinVar. Based on the evidence outlined above, the variant was classified as uncertain significance.

CeGaT Center for Human Genetics Tuebingen
Classification: Uncertain significance. Last evaluated: 2024-06-01. Review status: criteria provided, single submitter. Criteria: CeGaT Center For Human Genetics Tuebingen Variant Classification Criteria Version 2. Collection method: clinical testing. Allele origin: germline. Affected: yes. Observed: 1 variant allele.